The following is an entry in ClinVar:

NM_024747.6(HPS6):c.2028del (p.Glu677fs)

Gene: HPS6 (HPS6 biogenesis of lysosomal organelles complex 2 subunit 3; plus strand). Cytogenetic location: 10q24.32.
Variant type: Deletion.
Coding change: c.2028del on transcript NM_024747.6 (MANE Select); coding-DNA position 2028, one base deleted (C; older notation c.2028delC).
Protein change: p.Glu677fs; shifts the reading frame from glutamic acid 677.
Molecular consequence: frameshift variant.
Genome position (GRCh38, 1-based): chr10:102,067,502, C deleted; the last of 2 consecutive C bases (chr10:102,067,501-102,067,502); deleting either gives the same sequence. VCF-style (leftmost placement, unchanged base first): chr10-102067500-GC-G. GRCh37 (hg19) VCF-style: chr10-103827257-GC-G.
Other names: short protein forms E677fs.
Identifiers: ClinVar variation 1705094 (VCV001705094.1), dbSNP rs2540988872, ClinGen allele CA2580081165.
Genomic context (GRCh38, chr10:102,067,500, plus strand): 5'-GGCCTGGCCCTCGGCCCCTCCAGTCCCCTGCTTCGAAGTGAAATCTTCAAACTGCTGCTG[GC>G]CGAGTTTGCCCAGCACCGCCGGCTTGATGCTCACCTCCCCCTCCTTTGCCGCCTGTGCCC-3'

ClinVar aggregate classification (germline): Likely pathogenic (1 of 4 stars; one submission).

Conditions:
Hermansky-Pudlak syndrome (HPS). Also called: ALBINISM WITH HEMORRHAGIC DIATHESIS AND PIGMENTED RETICULOENDOTHELIAL CELLS. Identifiers: Orphanet 79430, MedGen C0079504, MONDO:0019312.

Submission:

Women's Health and Genetics/Laboratory Corporation of America, LabCorp
Classification: Likely pathogenic for Hermansky-Pudlak syndrome. Last evaluated: 2022-08-13. Review status: criteria provided, single submitter. Criteria: LabCorp Variant Classification Summary - May 2015. Collection method: clinical testing. Allele origin: germline.
Comment: Variant summary: HPS6 c.2028delC (p.Glu677SerfsX32), located in exon 1 of a single exon gene, results in a premature termination codon, predicted to cause a truncation of the encoded protein or absence of the protein due to nonsense mediated decay, which are commonly known mechanisms for disease. At-least one truncation downstream of this position has been reported in association with Hermansky-Pudlak syndrome 6 in the HGMD database. The variant was absent in 251030 control chromosomes. To our knowledge, no occurrence of c.2028delC in individuals affected with Hermansky-Pudlak Syndrome and no experimental evidence demonstrating its impact on protein function have been reported. No clinical diagnostic laboratories have submitted clinical-significance assessments for this variant to ClinVar after 2014. Based on the evidence outlined above, the variant was classified as likely pathogenic.